The following is an entry in ClinVar:

ClinVar aggregate classification (germline): Likely pathogenic (1 of 4 stars; one submission).

Conditions:
Retinitis pigmentosa 38 (RP38). Also called: ROD-CONE DYSTROPHY, CHILDHOOD-ONSET. Identifiers: Orphanet 791, MedGen C3151228, MONDO:0013469, OMIM 613862.

Submission:

ARUP Laboratories, Molecular Genetics and Genomics, ARUP Laboratories
Classification: Likely pathogenic for Retinitis pigmentosa 38. Last evaluated: 2019-02-15. Review status: criteria provided, single submitter. Criteria: ARUP Molecular Germline Variant Investigation Process. Collection method: clinical testing. Allele origin: germline.
Comment: The MERTK c.2162A>C; p.His721Pro variant (rs778005207), to our knowledge, is not reported in the medical literature or gene-specific databases. In testing performed at ARUP Laboratories, this variant was detected in two relatives with juvenile macular degeneration in trans to a full-gene MERTK deletion. The p.His721Pro variant is absent from general population databases (Exome Variant Server, Genome Aggregation Database), indicating it is not a common polymorphism. The histidine at codon 721 is highly conserved, it occurs in a functionally important tyrosine kinase domain, and computational analyses (SIFT, PolyPhen-2) predict that this variant is deleterious. Additionally, another variant at this codon (p.His721Gln) is reported in the homozygous state in an individual with rod-cone dystrophy and is considered disease-causing (Audo 2018). Based on available information, the p.His721Pro variant is considered to be likely pathogenic. References: Audo I et al. MERTK mutation update in inherited retinal diseases. Hum Mutat. 2018 Jul;39(7):887-913.

NM_006343.3(MERTK):c.2162A>C (p.His721Pro)

Gene: MERTK (MER proto-oncogene, tyrosine kinase; plus strand). Cytogenetic location: 2q13.
Variant type: single nucleotide variant.
Coding change: c.2162A>C on transcript NM_006343.3 (MANE Select); coding-DNA position 2162, A replaced by C.
Protein change: p.His721Pro; replaces histidine 721 with proline.
Molecular consequence: missense variant.
Genome position (GRCh38, 1-based): chr2:112,019,495, A>C. VCF-style: chr2-112019495-A-C. GRCh37 (hg19) VCF-style: chr2-112777072-A-C.
Other names: short protein forms H721P.
Identifiers: ClinVar variation 811285 (VCV000811285.8), dbSNP rs778005207, ClinGen allele CA348236872.